The following is an entry in ClinVar:

NM_001369268.1(ACAN):c.1702G>T (p.Asp568Tyr)

Gene: ACAN (aggrecan; plus strand). Cytogenetic location: 15q26.1.
Variant type: single nucleotide variant.
Coding change: c.1702G>T on transcript NM_001369268.1 (MANE Select); coding-DNA position 1702, G replaced by T.
Protein change: p.Asp568Tyr; replaces aspartic acid 568 with tyrosine.
Molecular consequence: missense variant.
Genome position (GRCh38, 1-based): chr15:88,848,008, G>T. VCF-style: chr15-88848008-G-T. GRCh37 (hg19) VCF-style: chr15-89391239-G-T.
Other names: c.1702G>T, p.Asp568Tyr (NM_001135.4, NM_001411096.1, NM_001411097.1 and 1 more transcripts); short protein forms D568Y.
Identifiers: ClinVar variation 2798565 (VCV002798565.3), dbSNP rs775104367, ClinGen allele CA393711059.

ClinVar aggregate classification (germline): Uncertain significance (1 of 4 stars; one submission).

Submission:

Labcorp Genetics (formerly Invitae), Labcorp
Classification: Uncertain significance. Last evaluated: 2023-02-18. Review status: criteria provided, single submitter. Criteria: Invitae Variant Classification Sherloc (09022015). Collection method: clinical testing. Allele origin: germline.
Comment: Advanced modeling of protein sequence and biophysical properties (such as structural, functional, and spatial information, amino acid conservation, physicochemical variation, residue mobility, and thermodynamic stability) performed at Invitae indicates that this missense variant is not expected to disrupt ACAN protein function. In summary, the available evidence is currently insufficient to determine the role of this variant in disease. Therefore, it has been classified as a Variant of Uncertain Significance. This variant has not been reported in the literature in individuals affected with ACAN-related conditions. This variant is not present in population databases (gnomAD no frequency). This sequence change replaces aspartic acid, which is acidic and polar, with tyrosine, which is neutral and polar, at codon 568 of the ACAN protein (p.Asp568Tyr).